The following is an entry in ClinVar:

NM_016306.6(DNAJB11):c.1037G>C (p.Gly346Ala)

Gene: DNAJB11 (DnaJ heat shock protein family (Hsp40) member B11; plus strand). Cytogenetic location: 3q27.3.
Variant type: single nucleotide variant.
Coding change: c.1037G>C on transcript NM_016306.6 (MANE Select); coding-DNA position 1037, G replaced by C.
Protein change: p.Gly346Ala; replaces glycine 346 with alanine.
Molecular consequence: missense variant. On other transcripts: non-coding transcript variant (6).
Genome position (GRCh38, 1-based): chr3:186,585,368, G>C. VCF-style: chr3-186585368-G-C. GRCh37 (hg19) VCF-style: chr3-186303157-G-C.
Other names: c.761G>C, p.Gly254Ala (NM_001378451.1); short protein forms G346A, G254A.
Identifiers: ClinVar variation 2769151 (VCV002769151.3), dbSNP rs2474585620, ClinGen allele CA355716866.

ClinVar aggregate classification (germline): Uncertain significance (1 of 4 stars; one submission).

Submission:

Labcorp Genetics (formerly Invitae), Labcorp
Classification: Uncertain significance. Last evaluated: 2023-06-04. Review status: criteria provided, single submitter. Criteria: Invitae Variant Classification Sherloc (09022015). Collection method: clinical testing. Allele origin: germline.
Comment: In summary, the available evidence is currently insufficient to determine the role of this variant in disease. Therefore, it has been classified as a Variant of Uncertain Significance. Algorithms developed to predict the effect of missense changes on protein structure and function output the following: SIFT: "Not Available"; PolyPhen-2: "Benign"; Align-GVGD: "Not Available". The alanine amino acid residue is found in multiple mammalian species, which suggests that this missense change does not adversely affect protein function. This variant has not been reported in the literature in individuals affected with DNAJB11-related conditions. This variant is not present in population databases (gnomAD no frequency). This sequence change replaces glycine, which is neutral and non-polar, with alanine, which is neutral and non-polar, at codon 346 of the DNAJB11 protein (p.Gly346Ala).